The following is an entry in ClinVar:

ClinVar aggregate classification (germline): Uncertain significance. Review status: criteria provided, single submitter (1 of 4 stars). 2 submissions from 2 submitters: Uncertain significance (1). 1 of the submissions does not count toward it. Last evaluated 2025-08-12.

Conditions:
PLXNA3-related disorder. Also called: PLXNA3-related condition.

Allele frequency attached by ClinVar (database versions not stated): ExAC 0.00002; gnomAD exomes 0.00003; TOPMed 0.00003; gnomAD 0.00004.
gnomAD v4.1: 34 of 1,210,760 alleles (0.0028%); highest among the groups gnomAD compares: Admixed American, 0.0065%; no homozygotes.

Submissions (2):

Ambry Genetics
Classification: Uncertain significance. Last evaluated: 2025-08-12. Review status: criteria provided, single submitter. Criteria: Ambry Variant Classification Scheme 2023. Collection method: clinical testing. Allele origin: germline.

PreventionGenetics, part of Exact Sciences
Classification: Uncertain significance for PLXNA3-related condition. Last evaluated: 2024-02-21. Review status: no assertion criteria provided. Collection method: clinical testing. Allele origin: germline. Not counted in ClinVar's aggregate classification.
Comment: The PLXNA3 c.983G>A variant is predicted to result in the amino acid substitution p.Arg328Gln. To our knowledge, this variant has not been reported in the literature. This variant is reported in 0.0052% of alleles in individuals of African descent in gnomAD, including one hemizygous individual. At this time, the clinical significance of this variant is uncertain due to the absence of conclusive functional and genetic evidence.

NM_017514.5(PLXNA3):c.983G>A (p.Arg328Gln)

Gene: PLXNA3 (plexin A3; plus strand). Cytogenetic location: Xq28.
Variant type: single nucleotide variant.
Coding change: c.983G>A on transcript NM_017514.5 (MANE Select); coding-DNA position 983, G replaced by A.
Protein change: p.Arg328Gln; replaces arginine 328 with glutamine.
Molecular consequence: missense variant.
Genome position (GRCh38, 1-based): chrX:154,461,487, G>A. VCF-style: chrX-154461487-G-A. GRCh37 (hg19) VCF-style: chrX-153689827-G-A.
Other names: short protein forms R328Q.
Identifiers: ClinVar variation 2386597 (VCV002386597.4), dbSNP rs201318025, ClinGen allele CA10563874.